The following is an entry in ClinVar:

NM_153717.3(EVC):c.226C>G (p.Pro76Ala)

Gene: EVC (EvC ciliary complex subunit 1; plus strand). Cytogenetic location: 4p16.2.
Variant type: single nucleotide variant.
Coding change: c.226C>G on transcript NM_153717.3 (MANE Select); coding-DNA position 226, C replaced by G.
Protein change: p.Pro76Ala; replaces proline 76 with alanine.
Molecular consequence: missense variant.
Genome position (GRCh38, 1-based): chr4:5,719,299, C>G. VCF-style: chr4-5719299-C-G. GRCh37 (hg19) VCF-style: chr4-5721026-C-G.
Other names: c.226C>G, p.Pro76Ala (NM_001306090.2, NM_001306092.2); short protein forms P76A.
Identifiers: ClinVar variation 2166455 (VCV002166455.3), dbSNP rs760319292, ClinGen allele CA2835604.

ClinVar aggregate classification (germline): Uncertain significance (1 of 4 stars; one submission).

Conditions:
Ellis-van Creveld syndrome (EVC). Also called: EVC-Related Ellis-van Creveld Syndrome; EVC2-Related Ellis-van Creveld Syndrome; Chondroectodermal dysplasia; MESOECTODERMAL DYSPLASIA. Identifiers: Orphanet 289, MedGen C0013903, MONDO:0009162, OMIM 225500.
Curry-Hall syndrome (WAD). Also called: WEYERS ACRODENTAL DYSOSTOSIS. Identifiers: Orphanet 952, MedGen C0457013, MONDO:0008673, OMIM 193530.

Allele frequency attached by ClinVar (database versions not stated): ExAC 0.00001; gnomAD 0.00003.
gnomAD v4.1: 8 of 1,614,000 alleles (0.0005%); highest among the groups gnomAD compares: African/African-American, 0.011%; no homozygotes.

Submission:

Labcorp Genetics (formerly Invitae), Labcorp
Classification: Uncertain significance for Curry-Hall syndrome; Ellis-van Creveld syndrome. Last evaluated: 2024-11-04. Review status: criteria provided, single submitter. Criteria: Invitae Variant Classification Sherloc (09022015). Collection method: clinical testing. Allele origin: germline.
Comment: This sequence change replaces proline, which is neutral and non-polar, with alanine, which is neutral and non-polar, at codon 76 of the EVC protein (p.Pro76Ala). This variant is present in population databases (rs760319292, gnomAD 0.01%). This variant has not been reported in the literature in individuals affected with EVC-related conditions. ClinVar contains an entry for this variant (Variation ID: 2166455). Invitae Evidence Modeling of protein sequence and biophysical properties (such as structural, functional, and spatial information, amino acid conservation, physicochemical variation, residue mobility, and thermodynamic stability) indicates that this missense variant is not expected to disrupt EVC protein function with a negative predictive value of 95%. In summary, the available evidence is currently insufficient to determine the role of this variant in disease. Therefore, it has been classified as a Variant of Uncertain Significance.